The following is an entry in ClinVar:

ClinVar aggregate classification (germline): Uncertain significance (1 of 4 stars; one submission).

gnomAD v4.1: 3 of 1,614,142 alleles (0.00019%); highest among the groups gnomAD compares: Non-Finnish European, 0.00025%; no homozygotes.

Submission:

Labcorp Genetics (formerly Invitae), Labcorp
Classification: Uncertain significance. Last evaluated: 2023-07-10. Review status: criteria provided, single submitter. Criteria: Invitae Variant Classification Sherloc (09022015). Collection method: clinical testing. Allele origin: germline.
Comment: In summary, the available evidence is currently insufficient to determine the role of this variant in disease. Therefore, it has been classified as a Variant of Uncertain Significance. Advanced modeling of protein sequence and biophysical properties (such as structural, functional, and spatial information, amino acid conservation, physicochemical variation, residue mobility, and thermodynamic stability) performed at Invitae indicates that this missense variant is not expected to disrupt FAM111A protein function. This variant has not been reported in the literature in individuals affected with FAM111A-related conditions. This variant is not present in population databases (gnomAD no frequency). This sequence change replaces valine, which is neutral and non-polar, with alanine, which is neutral and non-polar, at codon 80 of the FAM111A protein (p.Val80Ala).

NM_001312909.2(FAM111A):c.239T>C (p.Val80Ala)

Gene: FAM111A (FAM111 trypsin like peptidase A; plus strand). Cytogenetic location: 11q12.1.
Variant type: single nucleotide variant.
Coding change: c.239T>C on transcript NM_001312909.2 (MANE Select); coding-DNA position 239, T replaced by C.
Protein change: p.Val80Ala; replaces valine 80 with alanine.
Molecular consequence: missense variant.
Genome position (GRCh38, 1-based): chr11:59,151,907, T>C. VCF-style: chr11-59151907-T-C. GRCh37 (hg19) VCF-style: chr11-58919380-T-C.
Other names: c.239T>C, p.Val80Ala (NM_001374864.1, NM_001374865.1, NM_001374866.1 and 29 more transcripts); short protein forms V80A.
Identifiers: ClinVar variation 3005620 (VCV003005620.3), dbSNP rs2496273597, ClinGen allele CA380771457.